The following is an entry in ClinVar:

NM_001042424.3(NSD2):c.3892C>T (p.Leu1298Phe)

Gene: NSD2 (nuclear receptor binding SET domain protein 2; plus strand). Cytogenetic location: 4p16.3.
Variant type: single nucleotide variant.
Coding change: c.3892C>T on transcript NM_001042424.3 (MANE Select); coding-DNA position 3892, C replaced by T.
Protein change: p.Leu1298Phe; replaces leucine 1298 with phenylalanine.
Molecular consequence: missense variant.
Genome position (GRCh38, 1-based): chr4:1,978,703, C>T. VCF-style: chr4-1978703-C-T. GRCh37 (hg19) VCF-style: chr4-1980430-C-T.
Other names: c.3892C>T, p.Leu1298Phe (NM_133330.3, NM_133331.3, NM_133335.4); c.3892C>T (NM_133330.2); short protein forms L1298F.
Identifiers: ClinVar variation 2891502 (VCV002891502.4), dbSNP rs1035199365, ClinGen allele CA91299838.
Genomic context (GRCh38, chr4:1,978,703, plus strand): 5'-TGGGAATGTCCTTGGCATCATTGTGACGTGTGTGGCAAACCTTCGACTTCATTTTGCCAC[C>T]TCTGCCCCAATTCGTTCTGTAAGGAGCACCAGGACGGGACAGCCTTCAGCTGCACCCCGG-3'
Protein context (NP_001035889.1, residues 1288-1308): CGKPSTSFCH[Leu1298Phe]CPNSFCKEHQ

ClinVar aggregate classification (germline): Conflicting classifications of pathogenicity. Review status: criteria provided, conflicting classifications (1 of 4 stars). 2 submissions from 2 submitters: Uncertain significance (1); Likely benign (1). Last evaluated 2025-10-02.

Conditions:
Inborn genetic diseases. Identifiers: MedGen C0950123, MeSH D030342.

Allele frequency attached by ClinVar (database versions not stated): TOPMed below 0.00001.
gnomAD v4.1: 6 of 1,614,140 alleles (0.00037%); highest among the groups gnomAD compares: Admixed American, 0.005%; no homozygotes.

Submissions (2):

Ambry Genetics
Classification: Likely benign for Inborn genetic diseases. Last evaluated: 2025-10-02. Review status: criteria provided, single submitter. Criteria: Ambry Variant Classification Scheme 2023. Collection method: clinical testing. Allele origin: germline.

Labcorp Genetics (formerly Invitae), Labcorp
Classification: Uncertain significance. Last evaluated: 2024-10-29. Review status: criteria provided, single submitter. Criteria: Invitae Variant Classification Sherloc (09022015). Collection method: clinical testing. Allele origin: germline.
Comment: This sequence change replaces leucine, which is neutral and non-polar, with phenylalanine, which is neutral and non-polar, at codon 1298 of the WHSC1 protein (p.Leu1298Phe). This variant is present in population databases (no rsID available, gnomAD 0.003%). This variant has not been reported in the literature in individuals affected with WHSC1-related conditions. Invitae Evidence Modeling of protein sequence and biophysical properties (such as structural, functional, and spatial information, amino acid conservation, physicochemical variation, residue mobility, and thermodynamic stability) indicates that this missense variant is not expected to disrupt WHSC1 protein function with a negative predictive value of 80%. In summary, the available evidence is currently insufficient to determine the role of this variant in disease. Therefore, it has been classified as a Variant of Uncertain Significance.